The following is an entry in ClinVar:

ClinVar aggregate classification (germline): Uncertain significance (1 of 4 stars; one submission).

Allele frequency attached by ClinVar (database versions not stated): gnomAD exomes below 0.00001; TOPMed below 0.00001; gnomAD 0.00001.
gnomAD v4.1: 2 of 1,613,868 alleles (0.00012%); highest among the groups gnomAD compares: Non-Finnish European, 0.00017%; no homozygotes.

Submission:

Labcorp Genetics (formerly Invitae), Labcorp
Classification: Uncertain significance. Last evaluated: 2022-11-23. Review status: criteria provided, single submitter. Criteria: Invitae Variant Classification Sherloc (09022015). Collection method: clinical testing. Allele origin: germline.
Comment: In summary, the available evidence is currently insufficient to determine the role of this variant in disease. Therefore, it has been classified as a Variant of Uncertain Significance. Algorithms developed to predict the effect of missense changes on protein structure and function output the following: SIFT: "Deleterious"; PolyPhen-2: "Benign"; Align-GVGD: "Class C55". The threonine amino acid residue is found in multiple mammalian species, which suggests that this missense change does not adversely affect protein function. This variant has not been reported in the literature in individuals affected with FAT4-related conditions. This variant is not present in population databases (gnomAD no frequency). This sequence change replaces alanine, which is neutral and non-polar, with threonine, which is neutral and polar, at codon 2393 of the FAT4 protein (p.Ala2393Thr).

NM_001291303.3(FAT4):c.7177G>A (p.Ala2393Thr)

Gene: FAT4 (FAT atypical cadherin 4; plus strand). Cytogenetic location: 4q28.1.
Variant type: single nucleotide variant.
Coding change: c.7177G>A on transcript NM_001291303.3 (MANE Select); coding-DNA position 7177, G replaced by A.
Protein change: p.Ala2393Thr; replaces alanine 2393 with threonine.
Molecular consequence: missense variant.
Genome position (GRCh38, 1-based): chr4:125,434,403, G>A. VCF-style: chr4-125434403-G-A. GRCh37 (hg19) VCF-style: chr4-126355558-G-A.
Other names: c.7177G>A, p.Ala2393Thr (NM_001291285.3, NM_024582.6); short protein forms A2393T.
Identifiers: ClinVar variation 2803426 (VCV002803426.3), dbSNP rs1725380463, ClinGen allele CA358135471.
Genomic context (GRCh38, chr4:125,434,403, plus strand): 5'-ATTCCTGAGGATGCACCAACTGGAACAGATGTTTTATTGGTAAATGCCTCAGATGCTGAT[G>A]CTTCAAAGAATGCAGTTATAAGGTCAGTACATTTTCCTTTGTAAAGTTTGTCTGTTTTCT-3'
Protein context (NP_001278232.1, residues 2383-2403): VLLVNASDAD[Ala2393Thr]SKNAVISYRI